The following is an entry in ClinVar:

ClinVar aggregate classification (germline): Uncertain significance (1 of 4 stars; one submission).

Conditions:
Pitt-Hopkins-like syndrome 2 (PTHSL2). Identifiers: Orphanet 221150, Orphanet 600663, MedGen C3280479, MONDO:0013690, OMIM 614325.

Submission:

Labcorp Genetics (formerly Invitae), Labcorp
Classification: Uncertain significance for Pitt-Hopkins-like syndrome 2. Last evaluated: 2021-11-29. Review status: criteria provided, single submitter. Criteria: Invitae Variant Classification Sherloc (09022015). Collection method: clinical testing. Allele origin: germline.
Comment: In summary, the available evidence is currently insufficient to determine the role of this variant in disease. Therefore, it has been classified as a Variant of Uncertain Significance. Algorithms developed to predict the effect of missense changes on protein structure and function are either unavailable or do not agree on the potential impact of this missense change (SIFT: "Tolerated"; PolyPhen-2: "Possibly Damaging"; Align-GVGD: "Class C0"). This variant has not been reported in the literature in individuals affected with NRXN1-related conditions. This variant is not present in population databases (gnomAD no frequency). This sequence change replaces threonine, which is neutral and polar, with alanine, which is neutral and non-polar, at codon 1050 of the NRXN1 protein (p.Thr1050Ala).

NM_001330078.2(NRXN1):c.3028A>G (p.Thr1010Ala)

Gene: NRXN1 (neurexin 1; minus strand). Cytogenetic location: 2p16.3.
Variant type: single nucleotide variant.
Coding change: c.3028A>G on transcript NM_001330078.2 (MANE Select); coding-DNA position 3028, A replaced by G.
Protein change: p.Thr1010Ala; replaces threonine 1010 with alanine.
Molecular consequence: missense variant.
Genome position (GRCh38, 1-based): chr2:50,495,947, T>C on the plus strand (A>G on the coding strand, the complement: NRXN1 is on the minus strand). VCF-style: chr2-50495947-T-C. GRCh37 (hg19) VCF-style: chr2-50723085-T-C.
Other names: c.3028A>G, p.Thr1010Ala (NM_004801.6, NM_001330086.2); c.3025A>G, p.Thr1009Ala (NM_001330093.2); c.3016A>G, p.Thr1006Ala (NM_001330094.2); c.2977A>G, p.Thr993Ala (NM_001330095.2); c.2917A>G, p.Thr973Ala (NM_001330096.2, NM_001330087.2); c.2947A>G, p.Thr983Ala (NM_001330088.2); c.3148A>G, p.Thr1050Ala (NM_001135659.3); c.3004A>G, p.Thr1002Ala (NM_001330077.2, NM_001330082.2); and 2 more; short protein forms T1001A, T1010A, T983A, T988A, T1009A, T993A, T1002A, T1006A.
Identifiers: ClinVar variation 1443942 (VCV001443942.6), dbSNP rs2104906960, ClinGen allele CA346776321.